The following is an entry in ClinVar:

NM_001079866.2(BCS1L):c.101A>G (p.Lys34Arg)

Gene: BCS1L (BCS1 ubiquinol-cytochrome c reductase complex chaperone; plus strand). Cytogenetic location: 2q35.
Variant type: single nucleotide variant.
Coding change: c.101A>G on transcript NM_001079866.2 (MANE Select); coding-DNA position 101, A replaced by G.
Protein change: p.Lys34Arg; replaces lysine 34 with arginine.
Molecular consequence: missense variant. On other transcripts: 5 prime UTR variant (5), non-coding transcript variant (1), intron variant (3).
Genome position (GRCh38, 1-based): chr2:218,661,088, A>G. VCF-style: chr2-218661088-A-G. GRCh37 (hg19) VCF-style: chr2-219525811-A-G.
Other names: c.101A>G, p.Lys34Arg (NM_001257342.2, NM_001257343.2, NM_001257344.2 and 10 more transcripts); c.-376A>G (NM_001371453.1, NM_001371454.1, NM_001371455.1 and 2 more transcripts); c.-40-318A>G (NM_001371451.1, NM_001318836.2); c.-41-671A>G (NM_001371452.1); short protein forms K34R.
Identifiers: ClinVar variation 1503468 (VCV001503468.8), dbSNP rs2106321194, ClinGen allele CA350625325.
Genomic context (GRCh38, chr2:218,661,088, plus strand): 5'-CCTACTTTGGGGCTGGATTTGGGCTGGTGGGTGTGGGCACAGCCCTGGCCCTGGCCCGGA[A>G]GGGTGTCCAACTGGGCCTGGTGGCATTCCGGCGCCATTACATGATCACACTGGAAGTCCC-3'
Protein context (NP_001073335.1, residues 24-44): GVGTALALAR[Lys34Arg]GVQLGLVAFR

ClinVar aggregate classification (germline): Uncertain significance (1 of 4 stars; one submission).

Submission:

Labcorp Genetics (formerly Invitae), Labcorp
Classification: Uncertain significance. Last evaluated: 2022-10-17. Review status: criteria provided, single submitter. Criteria: Invitae Variant Classification Sherloc (09022015). Collection method: clinical testing. Allele origin: germline.
Comment: In summary, the available evidence is currently insufficient to determine the role of this variant in disease. Therefore, it has been classified as a Variant of Uncertain Significance. Advanced modeling of protein sequence and biophysical properties (such as structural, functional, and spatial information, amino acid conservation, physicochemical variation, residue mobility, and thermodynamic stability) performed at Invitae indicates that this missense variant is not expected to disrupt BCS1L protein function. ClinVar contains an entry for this variant (Variation ID: 1503468). This variant has not been reported in the literature in individuals affected with BCS1L-related conditions. This variant is not present in population databases (gnomAD no frequency). This sequence change replaces lysine, which is basic and polar, with arginine, which is basic and polar, at codon 34 of the BCS1L protein (p.Lys34Arg).